The following is an entry in ClinVar:

NM_000465.4(BARD1):c.880A>G (p.Arg294Gly)

Gene: BARD1 (BRCA1 associated RING domain 1; minus strand). Cytogenetic location: 2q35.
Variant type: single nucleotide variant.
Coding change: c.880A>G on transcript NM_000465.4 (MANE Select); coding-DNA position 880, A replaced by G.
Protein change: p.Arg294Gly; replaces arginine 294 with glycine.
Molecular consequence: missense variant. On other transcripts: non-coding transcript variant (2), intron variant (3).
Genome position (GRCh38, 1-based): chr2:214,780,994, T>C on the plus strand (A>G on the coding strand, the complement: BARD1 is on the minus strand). VCF-style: chr2-214780994-T-C. GRCh37 (hg19) VCF-style: chr2-215645718-T-C.
Other names: c.823A>G, p.Arg275Gly (NM_001282543.2); c.158+28418A>G (NM_001282548.2); c.215+16067A>G (NM_001282545.2); c.364+11303A>G (NM_001282549.2); short protein forms R294G, R275G.
Identifiers: ClinVar variation 490972 (VCV000490972.16), dbSNP rs1553622373, ClinGen allele CA350455163.

ClinVar aggregate classification (germline): Uncertain significance. Review status: criteria provided, multiple submitters, no conflicts (2 of 4 stars). 2 submissions from 2 submitters: Uncertain significance (2). Last evaluated 2023-12-05.

Conditions:
Familial cancer of breast. Also called: Hereditary breast cancer; BREAST CANCER, FAMILIAL; hereditary breast carcinoma. Identifiers: Orphanet 227535, MedGen C0346153, MONDO:0016419, OMIM 114480. Disease mechanism: loss of function.
Hereditary cancer-predisposing syndrome. Also called: Hereditary Cancer Syndrome; Neoplastic Syndromes, Hereditary; Tumor predisposition; Hereditary neoplastic syndrome. Identifiers: Orphanet 140162, MedGen C0027672, MeSH D009386, MONDO:0015356.

Allele frequency attached by ClinVar (database versions not stated): gnomAD exomes below 0.00001.
gnomAD v4.1: 1 of 1,613,250 alleles (0.000062%); highest among the groups gnomAD compares: Non-Finnish European, 0.000085%; no homozygotes.

Submissions (2):

Color Diagnostics, LLC DBA Color Health
Classification: Uncertain significance for Hereditary cancer-predisposing syndrome. Last evaluated: 2023-12-05. Review status: criteria provided, single submitter. Criteria: ACMG Guidelines, 2015. Collection method: clinical testing. Allele origin: germline.
Comment: This missense variant replaces arginine with glycine at codon 294 of the BARD1 protein. Computational prediction suggests that this variant may not impact protein structure and function (internally defined REVEL score threshold <= 0.5, PMID: 27666373). To our knowledge, functional studies have not been reported for this variant. This variant has not been reported in individuals affected with BARD1-related disorders in the literature. This variant has not been identified in the general population by the Genome Aggregation Database (gnomAD). The available evidence is insufficient to determine the role of this variant in disease conclusively. Therefore, this variant is classified as a Variant of Uncertain Significance.

Labcorp Genetics (formerly Invitae), Labcorp
Classification: Uncertain significance for Familial cancer of breast. Last evaluated: 2023-03-04. Review status: criteria provided, single submitter. Criteria: Invitae Variant Classification Sherloc (09022015). Collection method: clinical testing. Allele origin: germline.
Comment: ClinVar contains an entry for this variant (Variation ID: 490972). In summary, the available evidence is currently insufficient to determine the role of this variant in disease. Therefore, it has been classified as a Variant of Uncertain Significance. An algorithm developed to predict the effect of missense changes on protein structure and function (PolyPhen-2) suggests that this variant is likely to be tolerated. This variant has not been reported in the literature in individuals affected with BARD1-related conditions. This variant is not present in population databases (gnomAD no frequency). This sequence change replaces arginine, which is basic and polar, with glycine, which is neutral and non-polar, at codon 294 of the BARD1 protein (p.Arg294Gly).